The following is an entry in ClinVar:

ClinVar aggregate classification (germline): Uncertain significance (1 of 4 stars; one submission).

Allele frequency attached by ClinVar (database versions not stated): gnomAD exomes below 0.00001.
gnomAD v4.1: 3 of 1,614,106 alleles (0.00019%); highest among the groups gnomAD compares: East Asian, 0.0045%; no homozygotes.

Submission:

Labcorp Genetics (formerly Invitae), Labcorp
Classification: Uncertain significance. Last evaluated: 2022-06-22. Review status: criteria provided, single submitter. Criteria: Invitae Variant Classification Sherloc (09022015). Collection method: clinical testing. Allele origin: germline.
Comment: In summary, the available evidence is currently insufficient to determine the role of this variant in disease. Therefore, it has been classified as a Variant of Uncertain Significance. Algorithms developed to predict the effect of missense changes on protein structure and function output the following: SIFT: "Tolerated"; PolyPhen-2: "Benign"; Align-GVGD: "Class C0". The arginine amino acid residue is found in multiple mammalian species, which suggests that this missense change does not adversely affect protein function. This variant has not been reported in the literature in individuals affected with VCAN-related conditions. This variant is present in population databases (no rsID available, gnomAD 0.006%). This sequence change replaces histidine, which is basic and polar, with arginine, which is basic and polar, at codon 790 of the VCAN protein (p.His790Arg).

NM_004385.5(VCAN):c.2369A>G (p.His790Arg)

Gene: VCAN (versican; plus strand). Cytogenetic location: 5q14.3.
Variant type: single nucleotide variant.
Coding change: c.2369A>G on transcript NM_004385.5 (MANE Select); coding-DNA position 2369, A replaced by G.
Protein change: p.His790Arg; replaces histidine 790 with arginine.
Molecular consequence: missense variant. On other transcripts: intron variant (2).
Genome position (GRCh38, 1-based): chr5:83,520,675, A>G. VCF-style: chr5-83520675-A-G. GRCh37 (hg19) VCF-style: chr5-82816494-A-G.
Other names: c.2369A>G, p.His790Arg (NM_001164098.2); c.1042+8279A>G (NM_001164097.2, NM_001126336.3); short protein forms H790R.
Identifiers: ClinVar variation 2108651 (VCV002108651.4), dbSNP rs1234840036, ClinGen allele CA360303787.
Genomic context (GRCh38, chr5:83,520,675, plus strand): 5'-TTACAGCAACTCCAGGTACTACAAAATATGATGAAAATATTACAACAGTGCTTTTGGCCC[A>G]TGGTACTTTAAGTGTTGAAGCAGCCACTGTATCAAAATGGTCATGGGATGAAGATAATAC-3'
Protein context (NP_004376.2, residues 780-800): DENITTVLLA[His790Arg]GTLSVEAATV